The following is an entry in ClinVar:

NM_001818.5(AKR1C4):c.923T>A (p.Met308Lys)

Gene: AKR1C4 (aldo-keto reductase family 1 member C4; plus strand). Cytogenetic location: 10p15.1.
Variant type: single nucleotide variant.
Coding change: c.923T>A on transcript NM_001818.5 (MANE Select); coding-DNA position 923, T replaced by A.
Protein change: p.Met308Lys; replaces methionine 308 with lysine.
Molecular consequence: missense variant.
Genome position (GRCh38, 1-based): chr10:5,216,787, T>A. VCF-style: chr10-5216787-T-A. GRCh37 (hg19) VCF-style: chr10-5258750-T-A.
Other names: short protein forms M308K.
Identifiers: ClinVar variation 3051883 (VCV003051883.5), dbSNP rs376557968, ClinGen allele CA5391641.

ClinVar aggregate classification (germline): Uncertain significance. Review status: criteria provided, multiple submitters, no conflicts (2 of 4 stars). 3 submissions from 3 submitters: Uncertain significance (3). Last evaluated 2026-05-26.

Conditions:
AKR1C4-related disorder. Also called: AKR1C4-related condition.

Allele frequency attached by ClinVar (database versions not stated): ESP Exome Variant Server 0.00015; 1000 Genomes Project 0.00040; 1000 Genomes Project 30x 0.00047.
gnomAD v4.1: 147 of 1,606,528 alleles (0.0092%); highest among the groups gnomAD compares: African/African-American, 0.063%; no homozygotes.

Submissions (3):

PreventionGenetics, part of Exact Sciences
Classification: Uncertain significance for AKR1C4-related condition. Last evaluated: 2026-05-26. Review status: criteria provided, single submitter. Criteria: ACMG Guidelines, 2015. Collection method: clinical testing. Allele origin: germline.
Comment: The AKR1C4 c.923T>A variant is predicted to result in the amino acid substitution p.Met308Lys. To our knowledge, this variant has not been reported in the literature. This variant is reported in 0.033% of alleles in individuals of African descent in gnomAD. At this time, the clinical significance of this variant is uncertain due to the absence of conclusive functional and genetic evidence.

Labcorp Genetics (formerly Invitae), Labcorp
Classification: Uncertain significance. Last evaluated: 2025-08-03. Review status: criteria provided, single submitter. Criteria: Invitae Variant Classification Sherloc (09022015). Collection method: clinical testing. Allele origin: germline.
Comment: This sequence change replaces methionine, which is neutral and non-polar, with lysine, which is basic and polar, at codon 308 of the AKR1C4 protein (p.Met308Lys). This variant is present in population databases (rs376557968, gnomAD 0.04%). This variant has not been reported in the literature in individuals affected with AKR1C4-related conditions. ClinVar contains an entry for this variant (Variation ID: 3051883). An algorithm developed to predict the effect of missense changes on protein structure and function (PolyPhen-2) suggests that this variant is likely to be tolerated. In summary, the available evidence is currently insufficient to determine the role of this variant in disease. Therefore, it has been classified as a Variant of Uncertain Significance.

Ambry Genetics
Classification: Uncertain significance. Last evaluated: 2024-10-07. Review status: criteria provided, single submitter. Criteria: Ambry Variant Classification Scheme 2023. Collection method: clinical testing. Allele origin: germline.